The following is an entry in ClinVar:

NM_006231.4(POLE):c.2397G>A (p.Val799=)

Gene: POLE (DNA polymerase epsilon, catalytic subunit; minus strand). Cytogenetic location: 12q24.33.
Variant type: single nucleotide variant.
Coding change: c.2397G>A on transcript NM_006231.4 (MANE Select); coding-DNA position 2397, G replaced by A.
Protein change: p.Val799=; no amino-acid change (valine 799 retained).
Molecular consequence: synonymous variant.
Genome position (GRCh38, 1-based): chr12:132,665,373, C>T on the plus strand (G>A on the coding strand, the complement: POLE is on the minus strand). VCF-style: chr12-132665373-C-T. GRCh37 (hg19) VCF-style: chr12-133241959-C-T.
Identifiers: ClinVar variation 3617848 (VCV003617848.2).

ClinVar aggregate classification (germline): Uncertain significance (1 of 4 stars; one submission).

Submission:

Labcorp Genetics (formerly Invitae), Labcorp
Classification: Uncertain significance. Last evaluated: 2025-01-23. Review status: criteria provided, single submitter. Criteria: Invitae Variant Classification Sherloc (09022015). Collection method: clinical testing. Allele origin: germline.
Comment: This sequence change affects codon 799 of the POLE mRNA. It is a 'silent' change, meaning that it does not change the encoded amino acid sequence of the POLE protein. This variant is not present in population databases (gnomAD no frequency). This variant has not been reported in the literature in individuals affected with POLE-related conditions. Algorithms developed to predict the effect of sequence changes on RNA splicing suggest that this variant may create or strengthen a splice site. In summary, the available evidence is currently insufficient to determine the role of this variant in disease. Therefore, it has been classified as a Variant of Uncertain Significance.